The following is an entry in ClinVar:

NM_002519.3(NPAT):c.2236G>A (p.Asp746Asn)

Gene: NPAT (nuclear protein, coactivator of histone transcription; minus strand). Cytogenetic location: 11q22.3.
Variant type: single nucleotide variant.
Coding change: c.2236G>A on transcript NM_002519.3 (MANE Select); coding-DNA position 2236, G replaced by A.
Protein change: p.Asp746Asn; replaces aspartic acid 746 with asparagine.
Molecular consequence: missense variant.
Genome position (GRCh38, 1-based): chr11:108,172,748, C>T on the plus strand (G>A on the coding strand, the complement: NPAT is on the minus strand). VCF-style: chr11-108172748-C-T. GRCh37 (hg19) VCF-style: chr11-108043475-C-T.
Other names: c.2236G>A, p.Asp746Asn (NM_001321307.1); short protein forms D746N.
Identifiers: ClinVar variation 1788193 (VCV001788193.2), dbSNP rs373165512, ClinGen allele CA6263853.

ClinVar aggregate classification (germline): Uncertain significance (1 of 4 stars; one submission).

Allele frequency attached by ClinVar (database versions not stated): gnomAD 0.00001; ExAC 0.00003; 1000 Genomes Project 30x 0.00016; 1000 Genomes Project 0.00020.
gnomAD v4.1: 18 of 1,613,524 alleles (0.0011%); highest among the groups gnomAD compares: South Asian, 0.019%; 1 homozygote.

Submission:

Ambry Genetics
Classification: Uncertain significance. Last evaluated: 2022-10-29. Review status: criteria provided, single submitter. Criteria: Ambry Variant Classification Scheme 2023. Collection method: clinical testing. Allele origin: germline.
Comment: The p.D746N variant (also known as c.2236G>A), located in coding exon 13 of the NPAT gene, results from a G to A substitution at nucleotide position 2236. The aspartic acid at codon 746 is replaced by asparagine, an amino acid with highly similar properties. This amino acid position is conserved. In addition, this alteration is predicted to be tolerated by in silico analysis. Since supporting evidence is limited at this time, the clinical significance of this alteration remains unclear.